The following is an entry in ClinVar:

ClinVar aggregate classification (germline): Uncertain significance (1 of 4 stars; one submission).

Conditions:
Hereditary nonpolyposis colorectal neoplasms. Identifiers: MedGen C0009405, MeSH D003123.

Submission:

Labcorp Genetics (formerly Invitae), Labcorp
Classification: Uncertain significance for Hereditary nonpolyposis colorectal neoplasms. Last evaluated: 2021-07-26. Review status: criteria provided, single submitter. Criteria: Invitae Variant Classification Sherloc (09022015). Collection method: clinical testing. Allele origin: germline.
Comment: In summary, the available evidence is currently insufficient to determine the role of this variant in disease. Therefore, it has been classified as a Variant of Uncertain Significance. Advanced modeling of protein sequence and biophysical properties (such as structural, functional, and spatial information, amino acid conservation, physicochemical variation, residue mobility, and thermodynamic stability) performed at Invitae indicates that this missense variant is expected to disrupt PMS2 protein function. This variant has not been reported in the literature in individuals affected with PMS2-related conditions. This variant is not present in population databases (ExAC no frequency). This sequence change replaces asparagine with isoleucine at codon 71 of the PMS2 protein (p.Asn71Ile). The asparagine residue is highly conserved and there is a large physicochemical difference between asparagine and isoleucine.

NM_000535.7(PMS2):c.212A>T (p.Asn71Ile)

Gene: PMS2 (PMS1 homolog 2, mismatch repair system component; minus strand). Cytogenetic location: 7p22.1.
Variant type: single nucleotide variant.
Coding change: c.212A>T on transcript NM_000535.7 (MANE Select); coding-DNA position 212, A replaced by T.
Protein change: p.Asn71Ile; replaces asparagine 71 with isoleucine.
Molecular consequence: missense variant. On other transcripts: 5 prime UTR variant (11), non-coding transcript variant (1).
Genome position (GRCh38, 1-based): chr7:6,004,010, T>A on the plus strand (A>T on the coding strand, the complement: PMS2 is on the minus strand). VCF-style: chr7-6004010-T-A. GRCh37 (hg19) VCF-style: chr7-6043641-T-A.
Other names: c.-194A>T (NM_001322003.2, NM_001322004.2, NM_001322005.2 and 3 more transcripts); c.212A>T, p.Asn71Ile (NM_001322006.2, NM_001322014.2); c.-4A>T (NM_001322007.2, NM_001322008.2); c.-673A>T (NM_001322011.2, NM_001322012.2); c.-273A>T (NM_001322015.2); short protein forms N71I.
Identifiers: ClinVar variation 1521733 (VCV001521733.8), dbSNP rs587780049, ClinGen allele CA366744838.